The following is an entry in ClinVar:

NM_005157.6(ABL1):c.367G>C (p.Glu123Gln)

Gene: ABL1 (ABL proto-oncogene 1, non-receptor tyrosine kinase; plus strand). Cytogenetic location: 9q34.12.
Variant type: single nucleotide variant.
Coding change: c.367G>C on transcript NM_005157.6 (MANE Select); coding-DNA position 367, G replaced by C.
Protein change: p.Glu123Gln; replaces glutamic acid 123 with glutamine.
Molecular consequence: missense variant.
Genome position (GRCh38, 1-based): chr9:130,854,914, G>C. VCF-style: chr9-130854914-G-C. GRCh37 (hg19) VCF-style: chr9-133730301-G-C.
Other names: c.424G>C, p.Glu142Gln (NM_007313.3); short protein forms E123Q, E142Q.
Identifiers: ClinVar variation 2496068 (VCV002496068.7), dbSNP rs1042889963, ClinGen allele CA200674411.

ClinVar aggregate classification (germline): Uncertain significance. Review status: criteria provided, multiple submitters, no conflicts (2 of 4 stars). 3 submissions from 3 submitters: Uncertain significance (3). Last evaluated 2025-08-10.

Conditions:
Inborn genetic diseases. Identifiers: MedGen C0950123, MeSH D030342.

Allele frequency attached by ClinVar (database versions not stated): gnomAD exomes below 0.00001.
gnomAD v4.1: 3 of 1,614,212 alleles (0.00019%); highest among the groups gnomAD compares: Non-Finnish European, 0.00025%; no homozygotes.

Submissions (3):

Ambry Genetics
Classification: Uncertain significance for Inborn genetic diseases. Last evaluated: 2025-08-10. Review status: criteria provided, single submitter. Criteria: Ambry Variant Classification Scheme 2023. Collection method: clinical testing. Allele origin: germline.

Blueprint Genetics
Classification: Uncertain significance. Last evaluated: 2024-11-04. Review status: criteria provided, single submitter. Criteria: ACMG Guidelines, 2015. Collection method: clinical testing. Allele origin: germline.

Labcorp Genetics (formerly Invitae), Labcorp
Classification: Uncertain significance. Last evaluated: 2023-10-05. Review status: criteria provided, single submitter. Criteria: Invitae Variant Classification Sherloc (09022015). Collection method: clinical testing. Allele origin: germline.
Comment: This sequence change replaces glutamic acid, which is acidic and polar, with glutamine, which is neutral and polar, at codon 142 of the ABL1 protein (p.Glu142Gln). This variant is present in population databases (no rsID available, gnomAD 0.0009%). This variant has not been reported in the literature in individuals affected with ABL1-related conditions. ClinVar contains an entry for this variant (Variation ID: 2496068). Advanced modeling of protein sequence and biophysical properties (such as structural, functional, and spatial information, amino acid conservation, physicochemical variation, residue mobility, and thermodynamic stability) performed at Invitae indicates that this missense variant is expected to disrupt ABL1 protein function. In summary, the available evidence is currently insufficient to determine the role of this variant in disease. Therefore, it has been classified as a Variant of Uncertain Significance.